The following is an entry in ClinVar:

ClinVar aggregate classification (germline): Uncertain significance (1 of 4 stars; one submission).

Conditions:
Proline dehydrogenase deficiency (HYRPRO1). Also called: PROLINE OXIDASE DEFICIENCY; Hyperprolinemia type 1. Identifiers: Orphanet 419, MedGen C0268529, MONDO:0009400, OMIM 239500.

Submission:

Labcorp Genetics (formerly Invitae), Labcorp
Classification: Uncertain significance for Proline dehydrogenase deficiency. Last evaluated: 2022-04-29. Review status: criteria provided, single submitter. Criteria: Invitae Variant Classification Sherloc (09022015). Collection method: clinical testing. Allele origin: germline.
Comment: Algorithms developed to predict the effect of missense changes on protein structure and function output the following: SIFT: "Tolerated"; PolyPhen-2: "Benign"; Align-GVGD: "Class C0". The asparagine amino acid residue is found in multiple mammalian species, which suggests that this missense change does not adversely affect protein function. This variant has not been reported in the literature in individuals affected with PRODH-related conditions. This variant is present in population databases (no rsID available, gnomAD 0.007%). This sequence change replaces aspartic acid, which is acidic and polar, with asparagine, which is neutral and polar, at codon 227 of the PRODH protein (p.Asp227Asn). In summary, the available evidence is currently insufficient to determine the role of this variant in disease. Therefore, it has been classified as a Variant of Uncertain Significance.

NM_016335.6(PRODH):c.679G>A (p.Asp227Asn)

Gene: PRODH (proline dehydrogenase 1; minus strand). Cytogenetic location: 22q11.21.
Variant type: single nucleotide variant.
Coding change: c.679G>A on transcript NM_016335.6 (MANE Select); coding-DNA position 679, G replaced by A.
Protein change: p.Asp227Asn; replaces aspartic acid 227 with asparagine.
Molecular consequence: missense variant.
Genome position (GRCh38, 1-based): chr22:18,923,168, C>T on the plus strand (G>A on the coding strand, the complement: PRODH is on the minus strand). VCF-style: chr22-18923168-C-T. GRCh37 (hg19) VCF-style: chr22-18910681-C-T.
Other names: c.355G>A, p.Asp119Asn (NM_001195226.2, NM_001368250.2); short protein forms D227N, D119N.
Identifiers: ClinVar variation 2137712 (VCV002137712.4), dbSNP rs1412427887, ClinGen allele CA410648344.